The following is an entry in ClinVar:

ClinVar aggregate classification (germline): Likely pathogenic. Review status: reviewed by expert panel (3 of 4 stars). 19 submissions from 19 submitters: Likely pathogenic (1). 18 of the submissions do not count toward it. Last evaluated 2025-11-14.

Conditions:
Hypertrophic cardiomyopathy 4. Also called: Familial hypertrophic cardiomyopathy 4. Identifiers: MedGen C1861862, MONDO:0007268, OMIM 115197.
Hypertrophic cardiomyopathy. Also called: HYPERTROPHIC MYOCARDIOPATHY. Identifiers: Orphanet 217569, MedGen C0007194, MeSH D002312, MONDO:0005045, HP:0001639.
MYBPC3-related disorder. Also called: MYBPC3-related disorders; MYBPC3-related condition; MYBPC3-related disease.
Cardiovascular phenotype. Identifiers: MedGen CN230736.
Cardiomyopathy (CMYO). Also called: Cardiomyopathies. Identifiers: Orphanet 167848, MedGen C0878544, MONDO:0004994, HP:0001638. Inheritance: Various modes of inheritance.
Primary familial hypertrophic cardiomyopathy (HCM). Identifiers: Orphanet 99739, MedGen C0949658, MeSH D024741, MONDO:0024573. Inheritance: Various modes of inheritance.

Allele frequency attached by ClinVar (database versions not stated): TOPMed 0.00001.
gnomAD v4.1: 12 of 1,613,880 alleles (0.00074%); highest among the groups gnomAD compares: Non-Finnish European, 0.001%; no homozygotes.

Submissions 1 to 8 of 19:

ClinGen Cardiomyopathy Variant Curation Expert Panel
Classification: Likely pathogenic for Hypertrophic cardiomyopathy. Last evaluated: 2025-11-14. Review status: reviewed by expert panel. Criteria: ClinGen CMP ACMG Specifications MYBPC3 V1.0.0. Collection method: curation. Allele origin: germline. Inheritance: Autosomal dominant inheritance.
Comment: NM_000256.3(MYBPC3):c.1483C>T (p.Arg495Trp). This variant has been identified in individuals with HCM and other cardiomyopathies (ClinVar Variation ID 164114) and was absent from large population studies (v.2.1). The variant is statistically increased in individuals with HCM compared to controls (OR lower 95% CI>10), therefore, the PS4 criterion has been applied at moderate strength (PS4_Moderate) and the PM2_Supporting criterion has been applied (PM2_Supporting). This variant lies in a region of the protein where variants are statistically more likely to be disease-associated (PM1_Strength; Walsh 2019 PMID: 30696458). Computational prediction tools and conservation analyses suggest that this variant may impact the protein (PP3; REVEL score ≥0.70). In summary, this variant meets criteria to be classified as likely pathogenic for hypertrophic cardiomyopathy in an autosomal dominant manner based on PS4_Moderate, PM2_Supporting, PM1, and PP3.

Labcorp Genetics (formerly Invitae), Labcorp
Classification: Pathogenic for Hypertrophic cardiomyopathy. Last evaluated: 2025-12-31. Review status: criteria provided, single submitter. Criteria: Invitae Variant Classification Sherloc (09022015). Collection method: clinical testing. Allele origin: germline. Not counted in ClinVar's aggregate classification.
Comment: This sequence change replaces arginine, which is basic and polar, with tryptophan, which is neutral and slightly polar, at codon 495 of the MYBPC3 protein (p.Arg495Trp). This variant is not present in population databases (gnomAD no frequency). This missense change has been observed in individuals with hypertrophic cardiomyopathy (PMID: 19150014, 22765922, 27532257). ClinVar contains an entry for this variant (Variation ID: 164114). An algorithm developed to predict the effect of missense changes on protein structure and function (PolyPhen-2) suggests that this variant is likely to be disruptive. This variant disrupts the p.Arg495 amino acid residue in MYBPC3. Other variant(s) that disrupt this residue have been determined to be pathogenic (PMID: 11499718, 18403758, 19659763, 20019025, 20624503, 22857948, 23396983, 24093860, 27532257). This suggests that this residue is clinically significant, and that variants that disrupt this residue are likely to be disease-causing. For these reasons, this variant has been classified as Pathogenic.

Ambry Genetics
Classification: Likely pathogenic for Cardiovascular phenotype. Last evaluated: 2025-08-21. Review status: criteria provided, single submitter. Criteria: Ambry Variant Classification Scheme 2023. Collection method: clinical testing. Allele origin: germline. Not counted in ClinVar's aggregate classification.
Comment: The p.R495W variant (also known as c.1483C>T), located in coding exon 17 of the MYBPC3 gene, results from a C to T substitution at nucleotide position 1483. The arginine at codon 495 is replaced by tryptophan, an amino acid with dissimilar properties. This variant was identified in one or more individuals with features consistent with MYBPC3-related cardiomyopathy and segregated with disease in at least one family (Garc&iacute;a-Castro M et al. Rev Esp Cardiol, 2009 Jan;62:48-56; Zou Y et al. Mol. Biol. Rep., 2013 Jun;40:3969-76; Berge KE et al. Clin. Genet., 2014 Oct;86:355-60; Lopes LR et al. Heart. 2015 Feb;101(4):294-301; Rubattu S et al. Int J Mol Sci, 2016 Jul;17(8); Walsh R et al. Genet. Med., 2017 02;19:192-203;Lipari M et al. Pol Arch Intern Med, 2020 02;130:89-99; Mazzarotto F et al. Circulation, 2020 02;141:387-398). Other variant(s) at the same codon, p.R495Q (c.1484G>A), have been identified in individual(s) with features consistent with MYBPC3-related cardiomyopathy (Niimura H et al. N. Engl. J. Med. 1998 Apr;338(18):1248-57). This variant is considered to be rare based on population cohorts in the Genome Aggregation Database (gnomAD). This amino acid position is highly conserved in available vertebrate species. In addition, this alteration is predicted to be deleterious by in silico analysis. Based on the majority of available evidence to date, this variant is likely to be pathogenic.

3billion
Classification: Pathogenic for Hypertrophic cardiomyopathy 4. Last evaluated: 2024-12-19. Review status: criteria provided, single submitter. Criteria: ACMG Guidelines, 2015. Collection method: clinical testing. Allele origin: germline. Affected: yes. Not counted in ClinVar's aggregate classification.
Comment: The variant is observed at an extremely low frequency in the gnomAD v4.1.0 dataset (total allele frequency: <0.001%). Predicted Consequence/Location: Missense variant In silico tool predictions suggest damaging effect of the variant on gene or gene product [REVEL: 0.70 (>=0.6, sensitivity 0.68 and specificity 0.92); 3Cnet: 0.97 (>=0.6, sensitivity 0.72 and precision 0.9)]. The same nucleotide change resulting in the same amino acid change has been previously reported as pathogenic/likely pathogenic with strong evidence (ClinVar ID: VCV000164114 /PMID: 19150014 /3billion dataset). Different missense changes at the same codon (p.Arg495Gln, p.Arg495Gly, p.Arg495Leu) have been reported as pathogenic/likely pathogenic with strong evidence (ClinVar ID: VCV000042537, VCV000164113, VCV000915779 /PMID: 18403758, 9562578 /3billion dataset). Therefore, this variant is classified as Pathogenic according to the recommendation of ACMG/AMP guideline.

Color Diagnostics, LLC DBA Color Health
Classification: Likely pathogenic for Cardiomyopathy. Last evaluated: 2024-09-16. Review status: criteria provided, single submitter. Criteria: ACMG Guidelines, 2015. Collection method: clinical testing. Allele origin: germline. Not counted in ClinVar's aggregate classification.
Comment: This missense variant is located in the Ig-like domain C3 of the MYBPC3 protein. This variant is found within a highly conserved region of the Ig-like domain C3 (a.a. 485-502). Missense variants in this region have been shown to be significantly overrepresented in individuals with affected with hypertrophic cardiomyopathy (PMID: 30696458). Computational prediction tools indicate that this variant has a deleterious impact on protein structure and function. To our knowledge, functional studies have not been reported for this variant. This variant has been reported in at least 13 unrelated individuals affected with hypertrophic cardiomyopathy and in a few asymptomatic relatives (PMID: 18713777, 19150014, 20433692, 23283745, 25351510, 27532257, 28356264, 28771489, 31919335, 32492895, 33495597, 34598319, 35626289, 39160446). This variant has not been identified in the general population by the Genome Aggregation Database (gnomAD). Different missense variants affecting the same codon, p.Arg495Gln and p.Arg495Gly, are considered to be disease-causing (ClinVar variation ID: 164113, 42537), suggesting that arginine at this position is important for MYBPC3 protein function. Based on the available evidence, this variant is classified as Likely Pathogenic.

All of Us Research Program, National Institutes of Health
Classification: Likely pathogenic for Hypertrophic cardiomyopathy. Last evaluated: 2024-07-29. Review status: criteria provided, single submitter. Criteria: ACMG Guidelines, 2015. Collection method: clinical testing. Allele origin: germline. Inheritance: Autosomal dominant inheritance. Observed: 4 variant alleles, 4 heterozygotes. Not counted in ClinVar's aggregate classification.
Comment: This missense variant is located in the Ig-like domain C3 of the MYBPC3 protein. Computational prediction is inconclusive regarding the impact of this variant on protein structure and function (internally defined REVEL score threshold 0.5 < inconclusive < 0.7, PMID: 27666373). To our knowledge, functional studies have not been reported for this variant. This variant has been reported in at least 10 unrelated individuals affected with hypertrophic cardiomyopathy and in a few asymptomatic relatives (PMID: 18713777, 19150014, 20433692, 23283745, 25351510, 27532257, 28356264, 28771489, 31919335, 32492895, 33495597). This variant has not been identified in the general population by the Genome Aggregation Database (gnomAD). Different missense variants occurring at this codon, p.Arg495Gln and p.Arg495Gly, are known to be pathogenic (ClinVar variation ID: 164113, 42537), indicating that arginine at this position is important for the MYBPC3 protein function. Based on the available evidence, this variant is classified as Likely Pathogenic.

This study involves interpretation of variants in research participants for the purpose of population health screening. Participant phenotype was not available at the time of variant classification. Additional details can be found in publication PMID: 35346344, PMCID: PMC8962531

Blueprint Genetics
Classification: Pathogenic for MYBPC3-related disorders. Last evaluated: 2024-04-26. Review status: criteria provided, single submitter. Criteria: ACMG Guidelines, 2015. Collection method: clinical testing. Allele origin: germline. Affected: yes. Observed: 4 variant alleles. Not counted in ClinVar's aggregate classification.

Clinical Genetics Laboratory, Skane University Hospital Lund
Classification: Pathogenic. Last evaluated: 2023-08-01. Review status: criteria provided, single submitter. Criteria: ACMG Guidelines, 2015. Collection method: clinical testing. Allele origin: germline. Affected: yes. Not counted in ClinVar's aggregate classification.

NM_000256.3(MYBPC3):c.1483C>T (p.Arg495Trp)

Gene: MYBPC3 (myosin binding protein C3; minus strand). Cytogenetic location: 11p11.2.
Variant type: single nucleotide variant.
Coding change: c.1483C>T on transcript NM_000256.3 (MANE Select); coding-DNA position 1483, C replaced by T.
Protein change: p.Arg495Trp; replaces arginine 495 with tryptophan.
Molecular consequence: missense variant.
Genome position (GRCh38, 1-based): chr11:47,342,719, G>A on the plus strand (C>T on the coding strand, the complement: MYBPC3 is on the minus strand). VCF-style: chr11-47342719-G-A. GRCh37 (hg19) VCF-style: chr11-47364270-G-A.
Other names: short protein forms R495W.
Identifiers: ClinVar variation 164114 (VCV000164114.40), dbSNP rs397515905, ClinGen allele CA010455.